The following is an entry in ClinVar:

NM_001040142.2(SCN2A):c.2681T>C (p.Ile894Thr)

Gene: SCN2A (sodium voltage-gated channel alpha subunit 2; plus strand). Cytogenetic location: 2q24.3.
Variant type: single nucleotide variant.
Coding change: c.2681T>C on transcript NM_001040142.2 (MANE Select); coding-DNA position 2681, T replaced by C.
Protein change: p.Ile894Thr; replaces isoleucine 894 with threonine.
Molecular consequence: missense variant.
Genome position (GRCh38, 1-based): chr2:165,344,673, T>C. VCF-style: chr2-165344673-T-C. GRCh37 (hg19) VCF-style: chr2-166201183-T-C.
Other names: c.2681T>C, p.Ile894Thr (NM_001040143.2, NM_001371246.1, NM_001371247.1 and 1 more transcripts); short protein forms I894T.
Identifiers: ClinVar variation 3753661 (VCV003753661.2), dbSNP rs1699479045.

ClinVar aggregate classification (germline): Uncertain significance (1 of 4 stars; one submission).

Conditions:
Developmental and epileptic encephalopathy, 11 (DEE11). Also called: Early infantile epileptic encephalopathy 11. Identifiers: Orphanet 1934, MedGen C3150987, MONDO:0013388, OMIM 613721.
Seizures, benign familial infantile, 3 (BFIS3). Also called: CONVULSIONS, BENIGN FAMILIAL INFANTILE, 3; Familial neonatal seizures. Identifiers: Orphanet 140927, Orphanet 306, MedGen C1843140, MONDO:0011904, OMIM 607745.

Submission:

Labcorp Genetics (formerly Invitae), Labcorp
Classification: Uncertain significance for Seizures, benign familial infantile, 3; Developmental and epileptic encephalopathy, 11. Last evaluated: 2024-06-15. Review status: criteria provided, single submitter. Criteria: Invitae Variant Classification Sherloc (09022015). Collection method: clinical testing. Allele origin: germline.
Comment: This sequence change replaces isoleucine, which is neutral and non-polar, with threonine, which is neutral and polar, at codon 894 of the SCN2A protein (p.Ile894Thr). This variant is not present in population databases (gnomAD no frequency). This variant has not been reported in the literature in individuals affected with SCN2A-related conditions. Advanced modeling of protein sequence and biophysical properties (such as structural, functional, and spatial information, amino acid conservation, physicochemical variation, residue mobility, and thermodynamic stability) performed at Invitae indicates that this missense variant is expected to disrupt SCN2A protein function with a positive predictive value of 95%. In summary, the available evidence is currently insufficient to determine the role of this variant in disease. Therefore, it has been classified as a Variant of Uncertain Significance.